The following is an entry in ClinVar:

NM_001378457.1(DMXL2):c.5428C>G (p.Arg1810Gly)

Gene: DMXL2 (Dmx like 2; minus strand). Cytogenetic location: 15q21.2.
Variant type: single nucleotide variant.
Coding change: c.5428C>G on transcript NM_001378457.1 (MANE Select); coding-DNA position 5428, C replaced by G.
Protein change: p.Arg1810Gly; replaces arginine 1810 with glycine.
Molecular consequence: missense variant. On other transcripts: non-coding transcript variant (2).
Genome position (GRCh38, 1-based): chr15:51,486,127, G>C on the plus strand (C>G on the coding strand, the complement: DMXL2 is on the minus strand). VCF-style: chr15-51486127-G-C. GRCh37 (hg19) VCF-style: chr15-51778324-G-C.
Other names: c.5428C>G, p.Arg1810Gly (NM_001174116.3, NM_001378458.1, NM_001378459.1 and 4 more transcripts); c.3520C>G, p.Arg1174Gly (NM_001174117.3); c.3409C>G, p.Arg1137Gly (NM_001378460.1); c.5188C>G, p.Arg1730Gly (NM_001378464.1); short protein forms R1137G, R1174G, R1730G, R1810G.
Identifiers: ClinVar variation 2423318 (VCV002423318.3), dbSNP rs772456119, ClinGen allele CA7561804.

ClinVar aggregate classification (germline): Uncertain significance (1 of 4 stars; one submission).

Allele frequency attached by ClinVar (database versions not stated): ExAC 0.00001; TOPMed 0.00001.
gnomAD v4.1: 38 of 1,613,800 alleles (0.0024%); highest among the groups gnomAD compares: Non-Finnish European, 0.0031%; no homozygotes.

Submission:

Labcorp Genetics (formerly Invitae), Labcorp
Classification: Uncertain significance. Last evaluated: 2022-07-03. Review status: criteria provided, single submitter. Criteria: Invitae Variant Classification Sherloc (09022015). Collection method: clinical testing. Allele origin: germline.
Comment: This sequence change replaces arginine, which is basic and polar, with glycine, which is neutral and non-polar, at codon 1810 of the DMXL2 protein (p.Arg1810Gly). This variant is present in population databases (rs772456119, gnomAD 0.003%). This variant has not been reported in the literature in individuals affected with DMXL2-related conditions. Algorithms developed to predict the effect of missense changes on protein structure and function are either unavailable or do not agree on the potential impact of this missense change (SIFT: "Tolerated"; PolyPhen-2: "Possibly Damaging"; Align-GVGD: "Class C0"). In summary, the available evidence is currently insufficient to determine the role of this variant in disease. Therefore, it has been classified as a Variant of Uncertain Significance.